The following is an entry in ClinVar:

ClinVar aggregate classification (germline): Likely benign. Review status: criteria provided, multiple submitters, no conflicts (2 of 4 stars). 5 submissions from 5 submitters: Likely benign (5). Last evaluated 2026-01-27.

Conditions:
Hypertrophic cardiomyopathy 26. Also called: Cardiomyopathy, familial hypertrophic, 26. Identifiers: Orphanet 75249, MedGen C4310749, MONDO:0014883, OMIM 617047.
Myofibrillar myopathy 5. Also called: Filaminopathy (type); FILAMINOPATHY, AUTOSOMAL DOMINANT. Identifiers: Orphanet 171445, MedGen C1836050, MONDO:0012289, OMIM 609524.
Distal myopathy with posterior leg and anterior hand involvement. Also called: WILLIAMS DISTAL MYOPATHY. Identifiers: Orphanet 63273, MedGen C3279722, MONDO:0013550, OMIM 614065.
Cardiovascular phenotype. Identifiers: MedGen CN230736.

Allele frequency attached by ClinVar (database versions not stated): TOPMed 0.00002; gnomAD 0.00001; ExAC 0.00002; gnomAD exomes 0.00002.
gnomAD v4.1: 29 of 1,614,108 alleles (0.0018%); highest among the groups gnomAD compares: South Asian, 0.0044%; no homozygotes.

Submissions (5):

Labcorp Genetics (formerly Invitae), Labcorp
Classification: Likely benign for Distal myopathy with posterior leg and anterior hand involvement; Myofibrillar myopathy 5; Hypertrophic cardiomyopathy 26. Last evaluated: 2026-01-27. Review status: criteria provided, single submitter. Criteria: Invitae Variant Classification Sherloc (09022015). Collection method: clinical testing. Allele origin: germline.

CeGaT Center for Human Genetics Tuebingen
Classification: Likely benign. Last evaluated: 2025-01-01. Review status: criteria provided, single submitter. Criteria: CeGaT Center For Human Genetics Tuebingen Variant Classification Criteria Version 2. Collection method: clinical testing. Allele origin: germline. Affected: yes. Observed: 1 variant allele.
Comment: FLNC: BP4, BP7

Blueprint Genetics
Classification: Likely benign. Last evaluated: 2024-09-10. Review status: criteria provided, single submitter. Criteria: ACMG Guidelines, 2015. Collection method: clinical testing. Allele origin: germline.

Fulgent Genetics
Classification: Likely benign for Myofibrillar myopathy 5; Distal myopathy with posterior leg and anterior hand involvement; Hypertrophic cardiomyopathy 26. Last evaluated: 2021-12-17. Review status: criteria provided, single submitter. Criteria: ACMG Guidelines, 2015. Collection method: clinical testing. Allele origin: unknown.

Ambry Genetics
Classification: Likely benign for Cardiovascular phenotype. Last evaluated: 2020-07-11. Review status: criteria provided, single submitter. Criteria: Ambry Variant Classification Scheme 2023. Collection method: clinical testing. Allele origin: germline.

NM_001458.5(FLNC):c.7449C>T (p.Asn2483=)

Genes: FLNC (filamin C; plus strand), FLNC-AS1 (FLNC antisense RNA 1; minus strand). Cytogenetic location: 7q32.1.
Variant type: single nucleotide variant.
Coding change: c.7449C>T on transcript NM_001458.5 (MANE Select); coding-DNA position 7449, C replaced by T.
Protein change: p.Asn2483=; no amino-acid change (asparagine 2483 retained).
Molecular consequence: synonymous variant.
Genome position (GRCh38, 1-based): chr7:128,856,809, C>T. VCF-style: chr7-128856809-C-T. GRCh37 (hg19) VCF-style: chr7-128496863-C-T.
Other names: c.7350C>T, p.Asn2450= (NM_001127487.2).
Identifiers: ClinVar variation 472172 (VCV000472172.29), dbSNP rs761006044, ClinGen allele CA4476274.